The following is an entry in ClinVar:

ClinVar aggregate classification (germline): Likely benign. Review status: criteria provided, multiple submitters, no conflicts (2 of 4 stars). 4 submissions from 4 submitters: Likely benign (4). Last evaluated 2023-11-20.

Conditions:
Malignant hyperthermia, susceptibility to, 5 (MHS5). Also called: CACNA1S-Related Malignant Hyperthermia Susceptibility. Identifiers: Orphanet 423, MedGen C1866077, MONDO:0011163, OMIM 601887.
Hypokalemic periodic paralysis, type 1. Also called: Hypokalemic Periodic Paralysis Type 1 (AD); HypoPP. Identifiers: Orphanet 681, MedGen C3714580, MONDO:0042979, OMIM 170400.

Allele frequency attached by ClinVar (database versions not stated): gnomAD exomes below 0.00001; TOPMed 0.00005.
gnomAD v4.1: 6 of 1,613,354 alleles (0.00037%); highest among the groups gnomAD compares: Non-Finnish European, 0.000085%; no homozygotes.

Submissions (4):

All of Us Research Program, National Institutes of Health
Classification: Likely benign for Malignant hyperthermia, susceptibility to, 5. Last evaluated: 2023-11-20. Review status: criteria provided, single submitter. Criteria: ACMG Guidelines, 2015. Collection method: clinical testing. Allele origin: germline. Inheritance: Autosomal dominant inheritance. Observed: 1 variant allele, 1 heterozygote.
Comment: This study involves interpretation of variants in research participants for the purpose of population health screening. Participant phenotype was not available at the time of variant classification. Additional details can be found in publication PMID: 35346344, PMCID: PMC8962531

Color Diagnostics, LLC DBA Color Health
Classification: Likely benign for Malignant hyperthermia, susceptibility to, 5. Last evaluated: 2023-11-01. Review status: criteria provided, single submitter. Criteria: ACMG Guidelines, 2015. Collection method: clinical testing. Allele origin: germline.

Labcorp Genetics (formerly Invitae), Labcorp
Classification: Likely benign for Hypokalemic periodic paralysis, type 1; Malignant hyperthermia, susceptibility to, 5. Last evaluated: 2023-05-11. Review status: criteria provided, single submitter. Criteria: Invitae Variant Classification Sherloc (09022015). Collection method: clinical testing. Allele origin: germline.

Blueprint Genetics
Classification: Likely benign. Last evaluated: 2022-10-12. Review status: criteria provided, single submitter. Criteria: ACMG Guidelines, 2015. Collection method: clinical testing. Allele origin: germline.

NM_000069.3(CACNA1S):c.4362C>G (p.Pro1454=)

Gene: CACNA1S (calcium voltage-gated channel subunit alpha1 S; minus strand). Cytogenetic location: 1q32.1.
Variant type: single nucleotide variant.
Coding change: c.4362C>G on transcript NM_000069.3 (MANE Select); coding-DNA position 4362, C replaced by G.
Protein change: p.Pro1454=; no amino-acid change (proline 1454 retained).
Molecular consequence: synonymous variant.
Genome position (GRCh38, 1-based): chr1:201,048,661, G>C on the plus strand (C>G on the coding strand, the complement: CACNA1S is on the minus strand). VCF-style: chr1-201048661-G-C. GRCh37 (hg19) VCF-style: chr1-201017789-G-C.
Identifiers: ClinVar variation 2953022 (VCV002953022.6), dbSNP rs779761865, ClinGen allele CA36000349.